The following is an entry in ClinVar:

NM_001283009.2(RTEL1):c.2441G>T (p.Ser814Ile)

Genes: RTEL1 (regulator of telomere elongation helicase 1; plus strand), RTEL1-TNFRSF6B (RTEL1-TNFRSF6B readthrough (NMD candidate); plus strand). Cytogenetic location: 20q13.33.
Variant type: single nucleotide variant.
Coding change: c.2441G>T on transcript NM_001283009.2 (MANE Select); coding-DNA position 2441, G replaced by T.
Protein change: p.Ser814Ile; replaces serine 814 with isoleucine.
Molecular consequence: missense variant. On other transcripts: non-coding transcript variant (1).
Genome position (GRCh38, 1-based): chr20:63,690,832, G>T. VCF-style: chr20-63690832-G-T. GRCh37 (hg19) VCF-style: chr20-62322185-G-T.
Other names: c.1772G>T, p.Ser591Ile (NM_001283010.1); c.2441G>T, p.Ser814Ile (NM_016434.4); c.2513G>T, p.Ser838Ile (NM_032957.5); short protein forms S814I, S838I, S591I.
Identifiers: ClinVar variation 2952155 (VCV002952155.3), dbSNP rs2090722045, ClinGen allele CA409681443.

ClinVar aggregate classification (germline): Uncertain significance (1 of 4 stars; one submission).

Conditions:
Dyskeratosis congenita, autosomal recessive 5 (DKCB5). Identifiers: MedGen C3554656, MONDO:0014076, OMIM 615190.
Pulmonary fibrosis and/or bone marrow failure, Telomere-related, 3. Also called: PULMONARY FIBROSIS AND/OR BONE MARROW FAILURE SYNDROME, TELOMERE-RELATED, 3. Identifiers: Orphanet 2032, MedGen C4225346, MONDO:0014613, OMIM 616373.

Submission:

Labcorp Genetics (formerly Invitae), Labcorp
Classification: Uncertain significance for Dyskeratosis congenita, autosomal recessive 5; Pulmonary fibrosis and/or bone marrow failure, Telomere-related, 3. Last evaluated: 2023-10-04. Review status: criteria provided, single submitter. Criteria: Invitae Variant Classification Sherloc (09022015). Collection method: clinical testing. Allele origin: germline.
Comment: This sequence change replaces serine, which is neutral and polar, with isoleucine, which is neutral and non-polar, at codon 814 of the RTEL1 protein (p.Ser814Ile). This variant is not present in population databases (gnomAD no frequency). This variant has not been reported in the literature in individuals affected with RTEL1-related conditions. An algorithm developed to predict the effect of missense changes on protein structure and function (PolyPhen-2) suggests that this variant is likely to be tolerated. In summary, the available evidence is currently insufficient to determine the role of this variant in disease. Therefore, it has been classified as a Variant of Uncertain Significance.